The following is an entry in ClinVar:

NM_001370259.2(MEN1):c.1652T>G (p.Leu551Arg)

Gene: MEN1 (menin 1; minus strand). Cytogenetic location: 11q13.1.
Variant type: single nucleotide variant.
Coding change: c.1652T>G on transcript NM_001370259.2 (MANE Select); coding-DNA position 1652, T replaced by G.
Protein change: p.Leu551Arg; replaces leucine 551 with arginine.
Molecular consequence: missense variant. On other transcripts: non-coding transcript variant (4).
Genome position (GRCh38, 1-based): chr11:64,804,515, A>C on the plus strand (T>G on the coding strand, the complement: MEN1 is on the minus strand). VCF-style: chr11-64804515-A-C. GRCh37 (hg19) VCF-style: chr11-64571987-A-C.
Other names: c.1547T>G, p.Leu516Arg (NM_001370263.2, NM_001407148.1, NM_001407149.1 and 1 more transcripts); c.1778T>G, p.Leu593Arg (NM_001407142.1, NM_001407143.1, NM_001407144.1 and 1 more transcripts); c.1667T>G, p.Leu556Arg (NM_001407145.1, NM_130800.3, NM_130801.3 and 4 more transcripts); c.1652T>G, p.Leu551Arg (NM_001407146.1, NM_001407147.1, NM_130799.3 and 2 more transcripts); c.1793T>G, p.Leu598Arg (NM_001407150.1); c.1673T>G, p.Leu558Arg (NM_001407151.1); c.1487T>G, p.Leu496Arg (NM_001407152.1); short protein forms L496R, L516R, L551R, L556R, L558R, L593R, L598R.
Identifiers: ClinVar variation 4800413 (VCV004800413.1).

ClinVar aggregate classification (germline): Uncertain significance (1 of 4 stars; one submission).

Conditions:
Multiple endocrine neoplasia, type 1 (MEN1). Also called: MEA I; MEN I; WERMER SYNDROME; Endocrine adenomatosis multiple; MEN 1. Identifiers: Orphanet 652, MedGen C0025267, MeSH D018761, MONDO:0007540, OMIM 131100.

Submission:

Labcorp Genetics (formerly Invitae), Labcorp
Classification: Uncertain significance for Multiple endocrine neoplasia, type 1. Last evaluated: 2025-12-26. Review status: criteria provided, single submitter. Criteria: Invitae Variant Classification Sherloc (09022015). Collection method: clinical testing. Allele origin: germline.
Comment: This sequence change replaces leucine, which is neutral and non-polar, with arginine, which is basic and polar, at codon 551 of the MEN1 protein (p.Leu551Arg). This variant is not present in population databases (gnomAD no frequency). This variant has not been reported in the literature in individuals affected with MEN1-related conditions. Invitae Evidence Modeling of protein sequence and biophysical properties (such as structural, functional, and spatial information, amino acid conservation, physicochemical variation, residue mobility, and thermodynamic stability) indicates that this missense variant is expected to disrupt MEN1 protein function with a positive predictive value of 95%. In summary, the available evidence is currently insufficient to determine the role of this variant in disease. Therefore, it has been classified as a Variant of Uncertain Significance.